The following is an entry in ClinVar:

NM_152564.5(VPS13B):c.726T>G (p.Tyr242Ter)

Gene: VPS13B (vacuolar protein sorting 13 homolog B; plus strand). Cytogenetic location: 8q22.2.
Variant type: single nucleotide variant.
Coding change: c.726T>G on transcript NM_152564.5 (MANE Select); coding-DNA position 726, T replaced by G.
Protein change: p.Tyr242Ter; replaces tyrosine 242 with a stop codon.
Molecular consequence: nonsense. On other transcripts: non-coding transcript variant (1).
Genome position (GRCh38, 1-based): chr8:99,111,243, T>G. VCF-style: chr8-99111243-T-G. GRCh37 (hg19) VCF-style: chr8-100123471-T-G.
Other names: c.726T>G, p.Tyr242Ter (NM_015243.3, NM_017890.5, NM_181661.3); short protein forms Y242*.
Identifiers: ClinVar variation 3722887 (VCV003722887.2).

ClinVar aggregate classification (germline): Pathogenic (1 of 4 stars; one submission).

Conditions:
Cohen syndrome (COH1). Also called: PEPPER SYNDROME; Cutis verticis gyrata, retinitis pigmentosa, and sensorineural deafness. Identifiers: Orphanet 193, MedGen C0265223, MONDO:0008999, OMIM 216550.

gnomAD v4.1: 1 of 1,603,844 alleles (0.000062%); highest among the groups gnomAD compares: Non-Finnish European, 0.000085%; no homozygotes.

Submission:

Labcorp Genetics (formerly Invitae), Labcorp
Classification: Pathogenic for Cohen syndrome. Last evaluated: 2024-11-08. Review status: criteria provided, single submitter. Criteria: Invitae Variant Classification Sherloc (09022015). Collection method: clinical testing. Allele origin: germline.
Comment: This sequence change creates a premature translational stop signal (p.Tyr242*) in the VPS13B gene. It is expected to result in an absent or disrupted protein product. Loss-of-function variants in VPS13B are known to be pathogenic (PMID: 15141358, 16648375, 20461111). This variant is not present in population databases (gnomAD no frequency). This variant has not been reported in the literature in individuals affected with VPS13B-related conditions. For these reasons, this variant has been classified as Pathogenic.

Literature cited by the submitters: PubMed 15141358; PubMed 16648375; PubMed 20461111.